The following is an entry in ClinVar:

NM_001271.4(CHD2):c.3605C>T (p.Pro1202Leu)

Gene: CHD2 (chromodomain helicase DNA binding protein 2; plus strand). Cytogenetic location: 15q26.1.
Variant type: single nucleotide variant.
Coding change: c.3605C>T on transcript NM_001271.4 (MANE Select); coding-DNA position 3605, C replaced by T.
Protein change: p.Pro1202Leu; replaces proline 1202 with leucine.
Molecular consequence: missense variant.
Genome position (GRCh38, 1-based): chr15:92,996,966, C>T. VCF-style: chr15-92996966-C-T. GRCh37 (hg19) VCF-style: chr15-93540196-C-T.
Other names: short protein forms P1202L.
Identifiers: ClinVar variation 2136032 (VCV002136032.2), dbSNP rs1418817304, ClinGen allele CA393897520.

ClinVar aggregate classification (germline): Uncertain significance (1 of 4 stars; one submission).

Allele frequency attached by ClinVar (database versions not stated): TOPMed below 0.00001.

Submission:

GeneDx
Classification: Uncertain significance. Last evaluated: 2025-08-29. Review status: criteria provided, single submitter. Criteria: GeneDx Variant Classification Process June 2021. Collection method: clinical testing. Allele origin: germline. Affected: yes.
Comment: Not observed at significant frequency in large population cohorts (gnomAD); In silico analysis supports that this missense variant has a deleterious effect on protein structure/function; Has not been previously published as pathogenic or benign to our knowledge